The following is an entry in ClinVar:

NM_001370259.2(MEN1):c.1050-34_1050-14del

Gene: MEN1 (menin 1; minus strand). Cytogenetic location: 11q13.1.
Variant type: Deletion.
Coding change: c.1050-34_1050-14del on transcript NM_001370259.2 (MANE Select); 34 bases into the intron before coding-DNA position 1050 through 14 bases into the intron before coding-DNA position 1050, 21 bases deleted (TTCAGACCCTACAGAGACCCC).
Molecular consequence: intron variant.
Genome position (GRCh38, 1-based): chr11:64,805,784-64,805,804, GGGGTCTCTGTAGGGTCTGAA deleted on the plus strand (TTCAGACCCTACAGAGACCCC on the coding strand, the reverse complement: MEN1 is on the minus strand); deleting any 21 consecutive bases within chr11:64,805,784-64,805,812 gives the same sequence; the c. name uses the placement nearest the transcript's 3' end. VCF-style (leftmost placement, unchanged base first): chr11-64805783-TGGGGTCTCTGTAGGGTCTGAA-T. GRCh37 (hg19) VCF-style: chr11-64573255-TGGGGTCTCTGTAGGGTCTGAA-T.
Other names: c.1065-34_1065-14del (NM_130804.3, NM_130803.3, NM_000244.4 and 4 more transcripts); c.945-34_945-14del (NM_001407148.1, NM_001370263.2, NM_001407149.1 and 1 more transcripts); c.1050-34_1050-14del (NM_130799.3, NM_001370260.2, NM_001407152.1 and 3 more transcripts); c.1176-34_1176-14del (NM_001407144.1, NM_001370251.2, NM_001407142.1 and 1 more transcripts); c.1071-34_1071-14del (NM_001407151.1); c.1191-34_1191-14del (NM_001407150.1).
Identifiers: ClinVar variation 2838684 (VCV002838684.4), dbSNP rs2497161877, ClinGen allele CA2739270487.
Genomic context (GRCh38, chr11:64,805,783, plus strand): 5'-TCAAAGAACTCCTTGTAGATCTCCTCGTCTTCCCGGCAGTAGTTGTAGCTGTGAGAGCAG[TGGGGTCTCTGTAGGGTCTGAA>T]GGGGTCTCACCATCGGGGGTAGCCCCAGGGACCTGGCGGGGGATGGAGCCCCCAGGGGCT-3'

ClinVar aggregate classification (germline): Conflicting classifications of pathogenicity. Review status: criteria provided, conflicting classifications (1 of 4 stars). 2 submissions from 2 submitters: Uncertain significance (1); Likely benign (1). Last evaluated 2024-11-04.

Conditions:
Multiple endocrine neoplasia, type 1 (MEN1). Also called: MEN I; WERMER SYNDROME; Endocrine adenomatosis multiple; MEN 1; MEA I. Identifiers: Orphanet 652, MedGen C0025267, MeSH D018761, MONDO:0007540, OMIM 131100.

Submissions (2):

Myriad Genetics, Inc.
Classification: Likely benign for Multiple endocrine neoplasia, type 1. Last evaluated: 2024-11-04. Review status: criteria provided, single submitter. Criteria: Myriad Autosomal Dominant, Autosomal Recessive and X-Linked Classification Criteria (2023). Collection method: clinical testing. Allele origin: unknown.
Comment: This variant is considered likely benign. This variant is intronic and is not expected to impact mRNA splicing.

Labcorp Genetics (formerly Invitae), Labcorp
Classification: Uncertain significance for Multiple endocrine neoplasia, type 1. Last evaluated: 2023-02-18. Review status: criteria provided, single submitter. Criteria: Invitae Variant Classification Sherloc (09022015). Collection method: clinical testing. Allele origin: germline.
Comment: In summary, the available evidence is currently insufficient to determine the role of this variant in disease. Therefore, it has been classified as a Variant of Uncertain Significance. Algorithms developed to predict the effect of sequence changes on RNA splicing suggest that this variant may disrupt the consensus splice site. This variant has not been reported in the literature in individuals affected with MEN1-related conditions. This variant is not present in population databases (gnomAD no frequency). This sequence change falls in intron 7 of the MEN1 gene. It does not directly change the encoded amino acid sequence of the MEN1 protein.